The following is an entry in ClinVar:

ClinVar aggregate classification (germline): Uncertain significance (1 of 4 stars; one submission).

Allele frequency attached by ClinVar (database versions not stated): gnomAD 0.00001; gnomAD exomes 0.00002; TOPMed 0.00002.
gnomAD v4.1: 26 of 1,611,032 alleles (0.0016%); highest among the groups gnomAD compares: Non-Finnish European, 0.0022%; no homozygotes.

Submission:

Labcorp Genetics (formerly Invitae), Labcorp
Classification: Uncertain significance. Last evaluated: 2022-03-18. Review status: criteria provided, single submitter. Criteria: Invitae Variant Classification Sherloc (09022015). Collection method: clinical testing. Allele origin: germline.
Comment: This sequence change replaces serine, which is neutral and polar, with glycine, which is neutral and non-polar, at codon 476 of the CEP135 protein (p.Ser476Gly). This variant is present in population databases (no rsID available, gnomAD 0.002%). This variant has not been reported in the literature in individuals affected with CEP135-related conditions. Algorithms developed to predict the effect of missense changes on protein structure and function (SIFT, PolyPhen-2, Align-GVGD) all suggest that this variant is likely to be tolerated. In summary, the available evidence is currently insufficient to determine the role of this variant in disease. Therefore, it has been classified as a Variant of Uncertain Significance.

NM_025009.5(CEP135):c.1426A>G (p.Ser476Gly)

Gene: CEP135 (centrosomal protein 135; plus strand). Cytogenetic location: 4q12.
Variant type: single nucleotide variant.
Coding change: c.1426A>G on transcript NM_025009.5 (MANE Select); coding-DNA position 1426, A replaced by G.
Protein change: p.Ser476Gly; replaces serine 476 with glycine.
Molecular consequence: missense variant.
Genome position (GRCh38, 1-based): chr4:55,974,922, A>G. VCF-style: chr4-55974922-A-G. GRCh37 (hg19) VCF-style: chr4-56841088-A-G.
Other names: short protein forms S476G.
Identifiers: ClinVar variation 2027252 (VCV002027252.4), dbSNP rs1426837462, ClinGen allele CA356984954.
Genomic context (GRCh38, chr4:55,974,922, plus strand): 5'-TATTATAAGAAAGAGCTAGAGAGACTCCAACATATAATACAGCGAAGATCTTGCTCTACA[A>G]GTTATAGCGCACGTGAAAAAAGTTCAATATTTAGAACACCAGAAAAGGTAATGTCCCTTT-3'
Protein context (NP_079285.2, residues 466-486): HIIQRRSCST[Ser476Gly]YSAREKSSIF